The following is an entry in ClinVar:

ClinVar aggregate classification (germline): Benign/Likely benign. Review status: criteria provided, multiple submitters, no conflicts (2 of 4 stars). 3 submissions from 3 submitters: Benign (1); Likely benign (2). Last evaluated 2018-07-05.

Conditions:
Mucopolysaccharidosis type 6 (MPS6). Also called: ARSB DEFICIENCY; ARYLSULFATASE B DEFICIENCY; MPS VI; N-ACETYLGALACTOSAMINE-4-SULFATASE DEFICIENCY; MPS 6; Maroteaux Lamy syndrome. Identifiers: Orphanet 583, MedGen C0026709, MONDO:0009661, OMIM 253200.

Allele frequency attached by ClinVar (database versions not stated): 1000 Genomes Project 30x 0.03061; 1000 Genomes Project 0.03295; TOPMed 0.03614; gnomAD 0.03683 and 0.03741.
gnomAD v4.1: 77,685 of 1,608,990 alleles (4.8%); highest among the groups gnomAD compares: Middle Eastern, 5.7%; 2,056 homozygotes.

Submissions (3):

GeneDx
Classification: Likely benign. Last evaluated: 2018-07-05. Review status: criteria provided, single submitter. Criteria: GeneDx Variant Classification Process June 2021. Collection method: clinical testing. Allele origin: germline. Affected: yes.

Illumina Laboratory Services, Illumina
Classification: Benign for Mucopolysaccharidosis type 6. Last evaluated: 2018-01-13. Review status: criteria provided, single submitter. Criteria: ICSL Variant Classification Criteria 13 December 2019. Collection method: clinical testing. Allele origin: germline.
Comment: This variant was observed in the ICSL laboratory as part of a predisposition screen in an ostensibly healthy population. It had not been previously curated by ICSL or reported in the Human Gene Mutation Database (HGMD: prior to June 1st, 2018), and was therefore a candidate for classification through an automated scoring system. Utilizing variant allele frequency, disease prevalence and penetrance estimates, and inheritance mode, an automated score was calculated to assess if this variant is too frequent to cause the disease. Based on the score and internal cut-off values, a variant classified as benign is not then subjected to further curation. The score for this variant resulted in a classification of benign for this disease.

Breakthrough Genomics
Classification: Likely benign. Review status: criteria provided, single submitter. Criteria: ACMG Guidelines, 2015. Collection method: not provided. Allele origin: germline. Inheritance: Autosomal recessive inheritance. Affected: yes.

NM_000046.5(ARSB):c.*60G>A

Gene: ARSB (arylsulfatase B; minus strand). Cytogenetic location: 5q14.1.
Variant type: single nucleotide variant.
Coding change: c.*60G>A on transcript NM_000046.5 (MANE Select); 60 bases downstream of the stop codon, G replaced by A.
Molecular consequence: 3 prime UTR variant.
Genome position (GRCh38, 1-based): chr5:78,780,337, C>T on the plus strand (G>A on the coding strand, the complement: ARSB is on the minus strand). VCF-style: chr5-78780337-C-T. GRCh37 (hg19) VCF-style: chr5-78076160-C-T.
Identifiers: ClinVar variation 354302 (VCV000354302.9), dbSNP rs2173012, ClinGen allele CA10622290.